The following is an entry in ClinVar:

NM_000384.3(APOB):c.5564C>T (p.Thr1855Ile)

Gene: APOB (apolipoprotein B; minus strand). Cytogenetic location: 2p24.1.
Variant type: single nucleotide variant.
Coding change: c.5564C>T on transcript NM_000384.3 (MANE Select); coding-DNA position 5564, C replaced by T.
Protein change: p.Thr1855Ile; replaces threonine 1855 with isoleucine.
Molecular consequence: missense variant.
Genome position (GRCh38, 1-based): chr2:21,011,304, G>A on the plus strand (C>T on the coding strand, the complement: APOB is on the minus strand). VCF-style: chr2-21011304-G-A. GRCh37 (hg19) VCF-style: chr2-21234176-G-A.
Other names: short protein forms T1855I.
Identifiers: ClinVar variation 1748326 (VCV001748326.2), dbSNP rs774080084, ClinGen allele CA346004452.

ClinVar aggregate classification (germline): Uncertain significance (1 of 4 stars; one submission).

Conditions:
Cardiovascular phenotype. Identifiers: MedGen CN230736.

Allele frequency attached by ClinVar (database versions not stated): gnomAD exomes below 0.00001; TOPMed 0.00001.
gnomAD v4.1: 1 of 1,614,246 alleles (0.000062%); highest among the groups gnomAD compares: South Asian, 0.0011%; no homozygotes.

Submission:

Ambry Genetics
Classification: Uncertain significance for Cardiovascular phenotype. Last evaluated: 2019-12-04. Review status: criteria provided, single submitter. Criteria: Ambry Variant Classification Scheme 2023. Collection method: clinical testing. Allele origin: germline.
Comment: The p.T1855I variant (also known as c.5564C>T), located in coding exon 26 of the APOB gene, results from a C to T substitution at nucleotide position 5564. The threonine at codon 1855 is replaced by isoleucine, an amino acid with similar properties. This amino acid position is highly conserved in available vertebrate species. In addition, the in silico prediction for this alteration is inconclusive. Since supporting evidence is limited at this time, the clinical significance of this alteration remains unclear.